The following is an entry in ClinVar:

ClinVar aggregate classification (germline): Conflicting classifications of pathogenicity. Review status: criteria provided, conflicting classifications (1 of 4 stars). 6 submissions from 6 submitters: Pathogenic (1); Likely pathogenic (2); Uncertain significance (2). 1 of the submissions does not count toward it. Last evaluated 2026-04-14.

Conditions:
Cholestasis, intrahepatic, of pregnancy, 3. Identifiers: Orphanet 69665, MedGen C3554241, MONDO:0013995, OMIM 614972.
Familial intrahepatic cholestasis. Identifiers: Orphanet 284385, MedGen CN296401, MONDO:0017290.
Low phospholipid associated cholelithiasis (GBD1). Also called: Gallbladder disease 1; Gallstone cholecystitis. Identifiers: Orphanet 69663, MedGen C2609268, MONDO:0010939, OMIM 600803.
Progressive familial intrahepatic cholestasis type 3. Also called: Low Gamma-GT Familial Intrahepatic Cholestasis; MDR3 DEFICIENCY. Identifiers: Orphanet 79305, MedGen C1865643, MONDO:0011214, OMIM 602347.
ABCB4-related disorder. Also called: ABCB4-related disorders; ABCB4-related condition.

Allele frequency attached by ClinVar (database versions not stated): gnomAD exomes below 0.00001; TOPMed below 0.00001; gnomAD 0.00001.

Submissions (6):

Genomenon, Inc
Classification: Likely pathogenic for Familial intrahepatic cholestasis; Low phospholipid associated cholelithiasis. Last evaluated: 2026-04-14. Review status: criteria provided, single submitter. Criteria: Genomenon Sequence Variant Interpretation Standards - Updated. Collection method: curation. Allele origin: germline. Affected: yes.
Comment: ABCB4 p.Arg582Trp (c.1744C>T) is a missense variant that changes the amino acid at residue 582 from Arginine to Tryptophan. This variant has been observed in at least one proband with an ABCB4-related disorder (PMID:31538484;31160058;29761167). It has been observed in trans with a pathogenic or likely pathogenic variant (PMID:31160058). It is absent or not present at a significant frequency in gnomAD. In silico models predict that this variant is possibly or probably damaging. In conclusion, we classify ABCB4 p.Arg582Trp (c.1744C>T) as a likely pathogenic variant.

Immunogenetics and Transplant Biology Service, University Hospital "Città della Salute e della Scienza di Torino"
Classification: Likely pathogenic for Cholestasis, intrahepatic, of pregnancy, 3; Progressive familial intrahepatic cholestasis type 3. Last evaluated: 2025-06-28. Review status: criteria provided, single submitter. Criteria: ACMG Guidelines, 2015. Collection method: clinical testing. Allele origin: germline. Affected: yes.

GeneDx
Classification: Uncertain significance. Last evaluated: 2025-02-06. Review status: criteria provided, single submitter. Criteria: GeneDx Variant Classification Process June 2021. Collection method: clinical testing. Allele origin: germline. Affected: yes.
Comment: Reported in the published literature in patients with various cholestatic liver diseases; however, detailed clinical information was not provided for most of the probands (PMID: 30366773, 31538484, 31160058, 29761167); In silico analysis supports that this missense variant has a deleterious effect on protein structure/function; Not observed at significant frequency in large population cohorts (gnomAD); This variant is associated with the following publications: (PMID: 35741809, 33390354, 30366773, 31160058, 31538484, 29761167)

Genomic Medicine Center of Excellence, King Faisal Specialist Hospital and Research Centre
Classification: Uncertain significance for Cholestasis, intrahepatic, of pregnancy, 3. Last evaluated: 2024-03-29. Review status: criteria provided, single submitter. Criteria: ACMG Guidelines, 2015. Collection method: clinical testing. Allele origin: germline.

Mendelics
Classification: Pathogenic for Low phospholipid associated cholelithiasis. Last evaluated: 2022-05-04. Review status: criteria provided, single submitter. Criteria: Mendelics Assertion Criteria 2019. Collection method: clinical testing. Allele origin: germline.

PreventionGenetics, part of Exact Sciences
Classification: Pathogenic for ABCB4-related condition. Last evaluated: 2024-04-26. Review status: no assertion criteria provided. Collection method: clinical testing. Allele origin: germline. Not counted in ClinVar's aggregate classification.
Comment: The ABCB4 c.1744C>T variant is predicted to result in the amino acid substitution p.Arg582Trp. This variant was reported in both the biallelic and monoallelic state in individuals with ABCB4 deficiency (Schatz et al. 2018. PubMed ID: 29761167; Chen et al. 2018. PubMed ID: 30366773; Huynh et al. 2019. PubMed ID: 31538484). This variant is reported in 0.0065% of alleles in individuals of European (Non-Finnish) descent in gnomAD. An alternate nucleotide change affecting the same amino acid (p.Arg582Gln) has been reported in individuals with cholestatic liver disease (Fang et al. 2012. PubMed ID: 22343912; Huynh et al. 2019. PubMed ID: 31538484; Lipiński et al. 2020. PubMed ID: 32793533). This variant is interpreted as pathogenic.

Literature cited by the submitters: PubMed 31538484 (cited by Genomenon, Inc); PubMed 31160058 (cited by Genomenon, Inc); PubMed 29761167 (cited by Genomenon, Inc).

NM_000443.4(ABCB4):c.1744C>T (p.Arg582Trp)

Gene: ABCB4 (ATP binding cassette subfamily B member 4; minus strand). Cytogenetic location: 7q21.12.
Variant type: single nucleotide variant.
Coding change: c.1744C>T on transcript NM_000443.4 (MANE Select); coding-DNA position 1744, C replaced by T.
Protein change: p.Arg582Trp; replaces arginine 582 with tryptophan.
Molecular consequence: missense variant.
Genome position (GRCh38, 1-based): chr7:87,431,553, G>A on the plus strand (C>T on the coding strand, the complement: ABCB4 is on the minus strand). VCF-style: chr7-87431553-G-A. GRCh37 (hg19) VCF-style: chr7-87060869-G-A.
Other names: c.1744C>T (NM_000443.3, NM_018849.2); c.1744C>T, p.Arg582Trp (NM_018849.3, NM_018850.3); short protein forms R582W.
Identifiers: ClinVar variation 1685490 (VCV001685490.6), dbSNP rs1444056772, ClinGen allele CA368035435.
Genomic context (GRCh38, chr7:87,431,553, plus strand): 5'-CAGCGATGACATCTGCATTTCGGACCGTAGACAGTCGGTGTGCTATCACAATGGTGGTCC[G>A]GCCTTCTCTGGCCTAAAAGAACAAAAATGTGGTGCATCAGGGTTACAGTATTGGCACACT-3'
Protein context (NP_000434.1, residues 572-592): QAALDKAREG[Arg582Trp]TTIVIAHRLS